The following is an entry in ClinVar:

NM_004448.4(ERBB2):c.769C>T (p.His257Tyr)

Gene: ERBB2 (erb-b2 receptor tyrosine kinase 2; plus strand). Cytogenetic location: 17q12.
Variant type: single nucleotide variant.
Coding change: c.769C>T on transcript NM_004448.4 (MANE Select); coding-DNA position 769, C replaced by T.
Protein change: p.His257Tyr; replaces histidine 257 with tyrosine.
Molecular consequence: missense variant. On other transcripts: non-coding transcript variant (1), intron variant (2).
Genome position (GRCh38, 1-based): chr17:39,710,349, C>T. VCF-style: chr17-39710349-C-T. GRCh37 (hg19) VCF-style: chr17-37866602-C-T.
Other names: c.679C>T, p.His227Tyr (NM_001005862.3, NM_001289938.2, NM_001382782.1 and 1 more transcripts); c.724C>T, p.His242Tyr (NM_001289936.2); c.769C>T, p.His257Tyr (NM_001289937.2, NM_001382784.1, NM_001382785.1 and 16 more transcripts); c.844C>T, p.His282Tyr (NM_001382787.1); c.760C>T, p.His254Tyr (NM_001382791.1); c.589C>T, p.His197Tyr (NM_001382799.1); c.643+468C>T (NM_001382802.1); c.74-1579C>T (NM_001382804.1); short protein forms H242Y, H257Y, H227Y, H254Y, H282Y, H197Y.
Identifiers: ClinVar variation 1426736 (VCV001426736.8), dbSNP rs1567900439, ClinGen allele CA399278941.
Genomic context (GRCh38, chr17:39,710,349, plus strand): 5'-GGCACACCAGGGCAAAACAGCACAGTGAAAGCCAGCCACCTGTCCCCCCAGGCCTGCCTC[C>T]ACTTCAACCACAGTGGCATCTGTGAGCTGCACTGCCCAGCCCTGGTCACCTACAACACAG-3'
Protein context (NP_004439.2, residues 247-267): PKHSDCLACL[His257Tyr]FNHSGICELH

ClinVar aggregate classification (germline): Uncertain significance (1 of 4 stars; one submission).

Submission:

Labcorp Genetics (formerly Invitae), Labcorp
Classification: Uncertain significance. Last evaluated: 2024-04-11. Review status: criteria provided, single submitter. Criteria: Invitae Variant Classification Sherloc (09022015). Collection method: clinical testing. Allele origin: germline.
Comment: This sequence change replaces histidine, which is basic and polar, with tyrosine, which is neutral and polar, at codon 257 of the ERBB2 protein (p.His257Tyr). This variant is not present in population databases (gnomAD no frequency). This variant has not been reported in the literature in individuals affected with ERBB2-related conditions. ClinVar contains an entry for this variant (Variation ID: 1426736). Advanced modeling of protein sequence and biophysical properties (such as structural, functional, and spatial information, amino acid conservation, physicochemical variation, residue mobility, and thermodynamic stability) performed at Invitae indicates that this missense variant is not expected to disrupt ERBB2 protein function with a negative predictive value of 80%. In summary, the available evidence is currently insufficient to determine the role of this variant in disease. Therefore, it has been classified as a Variant of Uncertain Significance.